The following is an entry in ClinVar:

NM_001369.3(DNAH5):c.9260G>A (p.Cys3087Tyr)

Gene: DNAH5 (dynein axonemal heavy chain 5; minus strand). Cytogenetic location: 5p15.2.
Variant type: single nucleotide variant.
Coding change: c.9260G>A on transcript NM_001369.3 (MANE Select); coding-DNA position 9260, G replaced by A.
Protein change: p.Cys3087Tyr; replaces cysteine 3087 with tyrosine.
Molecular consequence: missense variant.
Genome position (GRCh38, 1-based): chr5:13,776,552, C>T on the plus strand (G>A on the coding strand, the complement: DNAH5 is on the minus strand). VCF-style: chr5-13776552-C-T. GRCh37 (hg19) VCF-style: chr5-13776661-C-T.
Other names: short protein forms C3087Y.
Identifiers: ClinVar variation 3044579 (VCV003044579.2), dbSNP rs2546678946, ClinGen allele CA359208709.

ClinVar aggregate classification (germline): Uncertain significance (0 of 4 stars; one submission).

Conditions:
DNAH5-related disorder. Also called: DNAH5-related condition.

Allele frequency attached by ClinVar (database versions not stated): gnomAD exomes below 0.00001.
gnomAD v4.1: 2 of 1,613,918 alleles (0.00012%); highest among the groups gnomAD compares: Non-Finnish European, 0.00017%; no homozygotes.

Submission:

PreventionGenetics, part of Exact Sciences
Classification: Uncertain significance for DNAH5-related condition. Last evaluated: 2023-12-20. Review status: no assertion criteria provided. Collection method: clinical testing. Allele origin: germline.
Comment: The DNAH5 c.9260G>A variant is predicted to result in the amino acid substitution p.Cys3087Tyr. To our knowledge, this variant has not been reported in the literature or in a large population database, indicating this variant is rare. At this time, the clinical significance of this variant is uncertain due to the absence of conclusive functional and genetic evidence.